The following is an entry in ClinVar:

ClinVar aggregate classification (germline): Uncertain significance (1 of 4 stars; one submission).

Submission:

Labcorp Genetics (formerly Invitae), Labcorp
Classification: Uncertain significance. Last evaluated: 2025-09-01. Review status: criteria provided, single submitter. Criteria: Invitae Variant Classification Sherloc (09022015). Collection method: clinical testing. Allele origin: germline.
Comment: This sequence change creates a premature translational stop signal (p.Asp984Thrfs*37) in the ITGAM gene. It is expected to result in an absent or disrupted protein product. However, the current clinical and genetic evidence is not sufficient to establish whether loss-of-function variants in ITGAM cause disease. This variant is not present in population databases (gnomAD no frequency). This variant has not been reported in the literature in individuals affected with ITGAM-related conditions. In summary, the available evidence is currently insufficient to determine the role of this variant in disease. Therefore, it has been classified as a Variant of Uncertain Significance.

NM_000632.4(ITGAM):c.2950del (p.Asp984fs)

Gene: ITGAM (integrin subunit alpha M; plus strand). Cytogenetic location: 16p11.2.
Variant type: Deletion.
Coding change: c.2950del on transcript NM_000632.4 (MANE Select); coding-DNA position 2950, one base deleted (G; older notation c.2950delG).
Protein change: p.Asp984fs; shifts the reading frame from aspartic acid 984.
Molecular consequence: frameshift variant.
Genome position (GRCh38, 1-based): chr16:31,329,879, G deleted; the last of 3 consecutive G bases (chr16:31,329,877-31,329,879); deleting any one gives the same sequence. VCF-style (leftmost placement, unchanged base first): chr16-31329876-TG-T. GRCh37 (hg19) VCF-style: chr16-31341197-TG-T.
Other names: c.2953del, p.Asp985fs (NM_001145808.2); short protein forms D984fs, D985fs.
Identifiers: ClinVar variation 4700541 (VCV004700541.1).